The following is an entry in ClinVar:

ClinVar aggregate classification (germline): Uncertain significance (1 of 4 stars; one submission).

Conditions:
Hereditary cancer-predisposing syndrome. Also called: Neoplastic Syndromes, Hereditary; Tumor predisposition; Hereditary Cancer Syndrome; Hereditary neoplastic syndrome. Identifiers: Orphanet 140162, MedGen C0027672, MeSH D009386, MONDO:0015356.

Submission:

Ambry Genetics
Classification: Uncertain significance for Hereditary cancer-predisposing syndrome. Last evaluated: 2025-08-21. Review status: criteria provided, single submitter. Criteria: Ambry Variant Classification Scheme 2023. Collection method: clinical testing. Allele origin: germline.
Comment: The p.C230F variant (also known as c.689G>T), located in coding exon 7 of the TSC2 gene, results from a G to T substitution at nucleotide position 689. The cysteine at codon 230 is replaced by phenylalanine, an amino acid with highly dissimilar properties. This amino acid position is conserved. In addition, this alteration is predicted to be deleterious by in silico analysis. Based on the available evidence, the clinical significance of this variant remains unclear.

NM_000548.5(TSC2):c.689G>T (p.Cys230Phe)

Gene: TSC2 (TSC complex subunit 2; plus strand). Cytogenetic location: 16p13.3.
Variant type: single nucleotide variant.
Coding change: c.689G>T on transcript NM_000548.5 (MANE Select); coding-DNA position 689, G replaced by T.
Protein change: p.Cys230Phe; replaces cysteine 230 with phenylalanine.
Molecular consequence: missense variant. On other transcripts: 5 prime UTR variant (10), non-coding transcript variant (5).
Genome position (GRCh38, 1-based): chr16:2,056,684, G>T. VCF-style: chr16-2056684-G-T. GRCh37 (hg19) VCF-style: chr16-2106685-G-T.
Other names: c.578G>T, p.Cys193Phe (NM_001406670.1, NM_001406678.1, NM_001318827.2); c.677G>T, p.Cys226Phe (NM_001406671.1, NM_001406673.1); c.542G>T, p.Cys181Phe (NM_001406675.1, NM_001406676.1, NM_001406679.1 and 1 more transcripts); c.632G>T, p.Cys211Phe (NM_001406677.1); c.89G>T, p.Cys30Phe (NM_001406680.1, NM_001318831.2, NM_001406682.1 and 6 more transcripts); c.227G>T, p.Cys76Phe (NM_001406681.1); c.689G>T, p.Cys230Phe (NM_001077183.3, NM_001114382.3, NM_001363528.2 and 6 more transcripts); c.722G>T, p.Cys241Phe (NM_001318832.2); and 4 more; short protein forms C181F, C260F, C76F, C241F, C30F, C193F, C230F, C211F.
Identifiers: ClinVar variation 4192184 (VCV004192184.1).